The following is an entry in ClinVar:

ClinVar aggregate classification (germline): Benign (1 of 4 stars; one submission).

Conditions:
Tuberous sclerosis 1 (TSC1). Identifiers: Orphanet 805, MedGen C1854465, MONDO:0008612, OMIM 191100.

Submission:

Myriad Genetics, Inc.
Classification: Benign for Tuberous sclerosis 1. Last evaluated: 2025-04-09. Review status: criteria provided, single submitter. Criteria: Myriad Autosomal Dominant, Autosomal Recessive and X-Linked Classification Criteria (2023). Collection method: clinical testing. Allele origin: unknown.
Comment: This variant is considered benign. This variant is a silent/synonymous amino acid change and it is not expected to impact splicing.

NM_000368.5(TSC1):c.1392T>G (p.Gly464=)

Gene: TSC1 (TSC complex subunit 1; minus strand). Cytogenetic location: 9q34.13.
Variant type: single nucleotide variant.
Coding change: c.1392T>G on transcript NM_000368.5 (MANE Select); coding-DNA position 1392, T replaced by G.
Protein change: p.Gly464=; no amino-acid change (glycine 464 retained).
Molecular consequence: synonymous variant. On other transcripts: non-coding transcript variant (5).
Genome position (GRCh38, 1-based): chr9:132,906,777, A>C on the plus strand (T>G on the coding strand, the complement: TSC1 is on the minus strand). VCF-style: chr9-132906777-A-C. GRCh37 (hg19) VCF-style: chr9-135782164-A-C.
Other names: c.1389T>G, p.Gly463= (NM_001162426.2, NM_001406597.1, NM_001406598.1 and 6 more transcripts); c.1239T>G, p.Gly413= (NM_001162427.2, NM_001406610.1); c.1029T>G, p.Gly343= (NM_001362177.2, NM_001406614.1, NM_001406615.1 and 5 more transcripts); c.1392T>G, p.Gly464= (NM_001406592.1, NM_001406593.1, NM_001406594.1 and 7 more transcripts); c.1236T>G, p.Gly412= (NM_001406611.1, NM_001406612.1, NM_001406613.1); c.1026T>G, p.Gly342= (NM_001406620.1, NM_001406621.1, NM_001406622.1 and 2 more transcripts); c.441T>G, p.Gly147= (NM_001406626.1); c.438T>G, p.Gly146= (NM_001406627.1, NM_001406628.1); and 1 more.
Identifiers: ClinVar variation 4071172 (VCV004071172.1).
Genomic context (GRCh38, chr9:132,906,777, plus strand): 5'-CCCACATACATTACCTTCTTCTTTATCTTTTTCAATACTATCTTCTTCAGAGGCCAGATC[A>C]CCTAAAAACCCTGGAAGATCACTTAGAGTGACAGAACCTTTGCTGCCAGGTGGCTCTTCT-3'
Protein context (NP_000359.1, residues 454-474): VTLSDLPGFL[Gly464=]DLASEEDSIE